The following is an entry in ClinVar:

ClinVar aggregate classification (germline): Conflicting classifications of pathogenicity. Review status: criteria provided, conflicting classifications (1 of 4 stars). 3 submissions from 3 submitters: Likely pathogenic (1); Uncertain significance (1). 1 of the submissions does not count toward it. Last evaluated 2026-01-07.

Conditions:
DPM1-related disorder. Also called: DPM1-related condition.
Congenital disorder of glycosylation type 1E (CDG1E). Also called: CDG Ie; CONGENITAL DISORDER OF GLYCOSYLATION, TYPE Ie. Identifiers: Orphanet 79322, MedGen C1837396, MONDO:0012123, OMIM 608799.

gnomAD v4.1: 2 of 1,614,006 alleles (0.00012%); highest among the groups gnomAD compares: Non-Finnish European, 0.00017%; no homozygotes.

Submissions (3):

Labcorp Genetics (formerly Invitae), Labcorp
Classification: Uncertain significance for Congenital disorder of glycosylation type 1E. Last evaluated: 2026-01-07. Review status: criteria provided, single submitter. Criteria: Invitae Variant Classification Sherloc (09022015). Collection method: clinical testing. Allele origin: germline.
Comment: This sequence change replaces glutamic acid, which is acidic and polar, with valine, which is neutral and non-polar, at codon 36 of the DPM1 protein (p.Glu36Val). This variant is not present in population databases (gnomAD no frequency). This variant has not been reported in the literature in individuals affected with DPM1-related conditions. ClinVar contains an entry for this variant (Variation ID: 3345737). An algorithm developed to predict the effect of missense changes on protein structure and function (PolyPhen-2) suggests that this variant is likely to be disruptive. In summary, the available evidence is currently insufficient to determine the role of this variant in disease. Therefore, it has been classified as a Variant of Uncertain Significance.

Rady Children's Institute for Genomic Medicine, Rady Children's Hospital San Diego
Classification: Likely pathogenic for Congenital disorder of glycosylation, type Ie. Last evaluated: 2024-11-07. Review status: criteria provided, single submitter. Criteria: ACMG Guidelines, 2015. Collection method: clinical testing. Allele origin: germline. Affected: yes.
Comment: The c.107A>T (p.Glu36Val) variant affects a highly conserved amino acid and is predicted by multiple in silico tools to have a deleterious effect on protein function. This variant has not been previously reported or functionally characterized in the literature to our knowledge. The c.107A>T (p.Glu36Val) variant is present in the latest version of the gnomAD population database at an allele frequency of 0.0001% (2/1614006), and is absent in the homozygous state, thus is presumed to be rare. Based on the available evidence, c.107A>T (p.Glu36Val) is classified as Likely Pathogenic.

PreventionGenetics, part of Exact Sciences
Classification: Uncertain significance for DPM1-related condition. Last evaluated: 2024-09-28. Review status: no assertion criteria provided. Collection method: clinical testing. Allele origin: germline. Not counted in ClinVar's aggregate classification.
Comment: The DPM1 c.107A>T variant is predicted to result in the amino acid substitution p.Glu36Val. To our knowledge, this variant has not been reported in the literature or in a large population database, indicating this variant is rare. At this time, the clinical significance of this variant is uncertain due to the absence of conclusive functional and genetic evidence.

NM_003859.3(DPM1):c.107A>T (p.Glu36Val)

Genes: DPM1 (dolichyl-phosphate mannosyltransferase subunit 1, catalytic; minus strand), LOC130066166 (ATAC-STARR-seq lymphoblastoid active region 18108; plus strand). Cytogenetic location: 20q13.13.
Variant type: single nucleotide variant.
Coding change: c.107A>T on transcript NM_003859.3 (MANE Select); coding-DNA position 107, A replaced by T.
Protein change: p.Glu36Val; replaces glutamic acid 36 with valine.
Molecular consequence: missense variant. On other transcripts: non-coding transcript variant (1).
Genome position (GRCh38, 1-based): chr20:50,958,417, T>A on the plus strand (A>T on the coding strand, the complement: DPM1 is on the minus strand). VCF-style: chr20-50958417-T-A. GRCh37 (hg19) VCF-style: chr20-49574954-T-A.
Other names: c.107A>T, p.Glu36Val (NM_001317034.1, NM_001317035.1, NM_001317036.1); short protein forms E36V.
Identifiers: ClinVar variation 3345737 (VCV003345737.3).